The following is an entry in ClinVar:

NM_001372044.2(SHANK3):c.4013C>T (p.Pro1338Leu)

Gene: SHANK3 (SH3 and multiple ankyrin repeat domains 3; plus strand). Cytogenetic location: 22q13.33.
Variant type: single nucleotide variant.
Coding change: c.4013C>T on transcript NM_001372044.2 (MANE Select); coding-DNA position 4013, C replaced by T.
Protein change: p.Pro1338Leu; replaces proline 1338 with leucine.
Molecular consequence: missense variant.
Genome position (GRCh38, 1-based): chr22:50,721,621, C>T. VCF-style: chr22-50721621-C-T. GRCh37 (hg19) VCF-style: chr22-51160049-C-T.
Other names: c.3788C>T (NM_033517.1); short protein forms P1338L.
Identifiers: ClinVar variation 1232859 (VCV001232859.27), dbSNP rs757572910, ClinGen allele CA10326137.

ClinVar aggregate classification (germline): Benign/Likely benign. Review status: criteria provided, multiple submitters, no conflicts (2 of 4 stars). 2 submissions from 2 submitters: Benign (1); Likely benign (1). Last evaluated 2025-05-01.

Allele frequency attached by ClinVar (database versions not stated): TOPMed 0.00013; gnomAD exomes 0.00017 and 0.00018; ExAC 0.00048.

Submissions (2):

CeGaT Center for Human Genetics Tuebingen
Classification: Likely benign. Last evaluated: 2025-05-01. Review status: criteria provided, single submitter. Criteria: CeGaT Center For Human Genetics Tuebingen Variant Classification Criteria Version 2. Collection method: clinical testing. Allele origin: germline. Affected: yes. Observed: 3 variant alleles.
Comment: SHANK3: PP2, BS1

GeneDx
Classification: Benign. Last evaluated: 2021-02-25. Review status: criteria provided, single submitter. Criteria: GeneDx Variant Classification Process June 2021. Collection method: clinical testing. Allele origin: germline. Affected: yes.
Comment: In silico analysis, which includes protein predictors and evolutionary conservation, supports a deleterious effect; This variant is associated with the following publications: (PMID: 17999366)